The following is an entry in ClinVar:

NM_012448.4(STAT5B):c.1102dup (p.Gln368fs)

Gene: STAT5B (signal transducer and activator of transcription 5B; minus strand). Cytogenetic location: 17q21.2.
Variant type: Duplication.
Coding change: c.1102dup on transcript NM_012448.4 (MANE Select); coding-DNA position 1102, one base duplicated (C; older notation c.1102dupC).
Protein change: p.Gln368fs; shifts the reading frame from glutamine 368.
Molecular consequence: frameshift variant.
Genome position (GRCh38, 1-based): chr17:42,218,218, G duplicated on the plus strand (C on the coding strand, the reverse complement: STAT5B is on the minus strand); the first of 8 consecutive G bases (chr17:42,218,218-42,218,225); duplicating any one gives the same sequence. VCF-style (leftmost placement, unchanged base first): chr17-42218217-T-TG. GRCh37 (hg19) VCF-style: chr17-40370235-T-TG.
Other names: c.1102dupC (NM_012448.3); short protein forms Q368fs.
Identifiers: ClinVar variation 579749 (VCV000579749.10), dbSNP rs761761205, ClinGen allele CA8574117.

ClinVar aggregate classification (germline): Pathogenic. Review status: criteria provided, multiple submitters, no conflicts (2 of 4 stars). 3 submissions from 3 submitters: Pathogenic (2). 1 of the submissions does not count toward it. Last evaluated 2025-11-08.

Conditions:
Growth hormone insensitivity with immune dysregulation 1, autosomal recessive. Also called: GROWTH HORMONE INSENSITIVITY SYNDROME WITH IMMUNE DYSREGULATION 1, AUTOSOMAL RECESSIVE; Laron syndrome with immunodeficiency; GROWTH HORMONE INSENSITIVITY DUE TO POSTRECEPTOR DEFECT; LARON SYNDROME DUE TO POSTRECEPTOR DEFECT. Identifiers: Orphanet 220465, MedGen C5435698, MONDO:0100211, OMIM 245590.

Submissions (3):

Labcorp Genetics (formerly Invitae), Labcorp
Classification: Pathogenic for Growth hormone insensitivity with immune dysregulation 1, autosomal recessive. Last evaluated: 2025-11-08. Review status: criteria provided, single submitter. Criteria: Invitae Variant Classification Sherloc (09022015). Collection method: clinical testing. Allele origin: germline.
Comment: This sequence change creates a premature translational stop signal (p.Gln368Profs*9) in the STAT5B gene. It is expected to result in an absent or disrupted protein product. Loss-of-function variants in STAT5B are known to be pathogenic (PMID: 15827093). The frequency data for this variant in the population databases is considered unreliable, as metrics indicate poor data quality at this position in the gnomAD database. This premature translational stop signal has been observed in individual(s) with autosomal recessive growth hormone insensitivity (PMID: 16787985). ClinVar contains an entry for this variant (Variation ID: 579749). Algorithms developed to predict the effect of sequence changes on RNA splicing suggest that this variant may disrupt the consensus splice site. For these reasons, this variant has been classified as Pathogenic.

GeneDx
Classification: Pathogenic. Last evaluated: 2024-06-28. Review status: criteria provided, single submitter. Criteria: GeneDx Variant Classification Process June 2021. Collection method: clinical testing. Allele origin: germline.
Comment: Frameshift variant predicted to result in protein truncation or nonsense mediated decay in a gene for which loss of function is a known mechanism of disease; This variant is associated with the following publications: (PMID: 31589614, 16787985)

OMIM
Classification: Pathogenic for GROWTH HORMONE INSENSITIVITY SYNDROME WITH IMMUNE DYSREGULATION 1, AUTOSOMAL RECESSIVE. Last evaluated: 2006-09-01. Review status: no assertion criteria provided. Collection method: literature only. Allele origin: germline. Not counted in ClinVar's aggregate classification.

Literature cited by the submitters: PubMed 15827093 (cited by Labcorp Genetics (formerly Invitae), Labcorp); PubMed 16787985 (cited by Labcorp Genetics (formerly Invitae), Labcorp and OMIM).